The following is an entry in ClinVar:

ClinVar aggregate classification (germline): Pathogenic (1 of 4 stars; one submission).

Conditions:
Familial thoracic aortic aneurysm and aortic dissection (TAAD). Also called: Thoracic aortic aneurysms and dissections. Identifiers: Orphanet 91387, MedGen C4707243, MONDO:0019625.

Submission:

Labcorp Genetics (formerly Invitae), Labcorp
Classification: Pathogenic for Familial thoracic aortic aneurysm and aortic dissection. Last evaluated: 2022-12-02. Review status: criteria provided, single submitter. Criteria: Invitae Variant Classification Sherloc (09022015). Collection method: clinical testing. Allele origin: germline.
Comment: This variant is not present in population databases (gnomAD no frequency). This sequence change creates a premature translational stop signal (p.Glu245*) in the TGFBR1 gene. It is expected to result in an absent or disrupted protein product. Loss-of-function variants in TGFBR1 are known to be pathogenic (PMID: 21358634). This variant has not been reported in the literature in individuals affected with TGFBR1-related conditions. For these reasons, this variant has been classified as Pathogenic. ClinVar contains an entry for this variant (Variation ID: 477559).

Literature cited by the submitters: PubMed 21358634.

NM_004612.4(TGFBR1):c.733G>T (p.Glu245Ter)

Gene: TGFBR1 (transforming growth factor beta receptor 1; plus strand). Cytogenetic location: 9q22.33.
Variant type: single nucleotide variant.
Coding change: c.733G>T on transcript NM_004612.4 (MANE Select); coding-DNA position 733, G replaced by T.
Protein change: p.Glu245Ter; replaces glutamic acid 245 with a stop codon.
Molecular consequence: nonsense.
Genome position (GRCh38, 1-based): chr9:99,138,017, G>T. VCF-style: chr9-99138017-G-T. GRCh37 (hg19) VCF-style: chr9-101900299-G-T.
Other names: c.502G>T, p.Glu168Ter (NM_001130916.3); c.745G>T, p.Glu249Ter (NM_001306210.2); short protein forms E245*, E249*, E168*.
Identifiers: ClinVar variation 477559 (VCV000477559.9), dbSNP rs1057524497, ClinGen allele CA374229855.